The following is an entry in ClinVar:

NM_017649.5(CNNM2):c.2366T>C (p.Val789Ala)

Gene: CNNM2 (cyclin and CBS domain divalent metal cation transport mediator 2; plus strand). Cytogenetic location: 10q24.32.
Variant type: single nucleotide variant.
Coding change: c.2366T>C on transcript NM_017649.5 (MANE Select); coding-DNA position 2366, T replaced by C.
Protein change: p.Val789Ala; replaces valine 789 with alanine.
Molecular consequence: missense variant.
Genome position (GRCh38, 1-based): chr10:103,076,218, T>C. VCF-style: chr10-103076218-T-C. GRCh37 (hg19) VCF-style: chr10-104835975-T-C.
Other names: c.2300T>C, p.Val767Ala (NM_199076.3); short protein forms V767A, V789A.
Identifiers: ClinVar variation 4768731 (VCV004768731.1).

ClinVar aggregate classification (germline): Uncertain significance (1 of 4 stars; one submission).

gnomAD v4.1: 3 of 1,583,378 alleles (0.00019%); highest among the groups gnomAD compares: Non-Finnish European, 0.00017%; no homozygotes.

Submission:

Labcorp Genetics (formerly Invitae), Labcorp
Classification: Uncertain significance. Last evaluated: 2025-11-27. Review status: criteria provided, single submitter. Criteria: Invitae Variant Classification Sherloc (09022015). Collection method: clinical testing. Allele origin: germline.
Comment: This sequence change replaces valine, which is neutral and non-polar, with alanine, which is neutral and non-polar, at codon 789 of the CNNM2 protein (p.Val789Ala). This variant is not present in population databases (gnomAD no frequency). This variant has not been reported in the literature in individuals affected with CNNM2-related conditions. Invitae Evidence Modeling of protein sequence and biophysical properties (such as structural, functional, and spatial information, amino acid conservation, physicochemical variation, residue mobility, and thermodynamic stability) indicates that this missense variant is not expected to disrupt CNNM2 protein function with a negative predictive value of 80%. In summary, the available evidence is currently insufficient to determine the role of this variant in disease. Therefore, it has been classified as a Variant of Uncertain Significance.